The following is an entry in ClinVar:

NM_000062.3(SERPING1):c.707T>G (p.Phe236Cys)

Gene: SERPING1 (serpin family G member 1; plus strand). Cytogenetic location: 11q12.1.
Variant type: single nucleotide variant.
Coding change: c.707T>G on transcript NM_000062.3 (MANE Select); coding-DNA position 707, T replaced by G.
Protein change: p.Phe236Cys; replaces phenylalanine 236 with cysteine.
Molecular consequence: missense variant.
Genome position (GRCh38, 1-based): chr11:57,606,031, T>G. VCF-style: chr11-57606031-T-G. GRCh37 (hg19) VCF-style: chr11-57373504-T-G.
Other names: c.707T>G, p.Phe236Cys (NM_001032295.2); short protein forms F236C.
Identifiers: ClinVar variation 2088062 (VCV002088062.4), dbSNP rs2495440406, ClinGen allele CA380698606.

ClinVar aggregate classification (germline): Uncertain significance (1 of 4 stars; one submission).

Submission:

Labcorp Genetics (formerly Invitae), Labcorp
Classification: Uncertain significance. Last evaluated: 2024-10-22. Review status: criteria provided, single submitter. Criteria: Invitae Variant Classification Sherloc (09022015). Collection method: clinical testing. Allele origin: germline.
Comment: This sequence change replaces phenylalanine, which is neutral and non-polar, with cysteine, which is neutral and slightly polar, at codon 236 of the SERPING1 protein (p.Phe236Cys). This variant is not present in population databases (gnomAD no frequency). This variant has not been reported in the literature in individuals affected with SERPING1-related conditions. ClinVar contains an entry for this variant (Variation ID: 2088062). Invitae Evidence Modeling of protein sequence and biophysical properties (such as structural, functional, and spatial information, amino acid conservation, physicochemical variation, residue mobility, and thermodynamic stability) indicates that this missense variant is expected to disrupt SERPING1 protein function with a positive predictive value of 80%. This variant disrupts the p.Phe236 amino acid residue in SERPING1. Other variant(s) that disrupt this residue have been observed in individuals with SERPING1-related conditions (PMID: 8755917, 35821062), which suggests that this may be a clinically significant amino acid residue. In summary, the available evidence is currently insufficient to determine the role of this variant in disease. Therefore, it has been classified as a Variant of Uncertain Significance.

Literature cited by the submitters: PubMed 8755917; PubMed 35821062.